The following is an entry in ClinVar:

ClinVar aggregate classification (germline): Uncertain significance (1 of 4 stars; one submission).

Conditions:
Severe early-onset pulmonary alveolar proteinosis due to MARS deficiency. Also called: PULMONARY ALVEOLAR PROTEINOSIS, REUNION ISLAND; Interstitial lung and liver disease. Identifiers: Orphanet 440427, MedGen C4225400, MONDO:0014206, OMIM 615486.
Charcot-Marie-Tooth disease axonal type 2U. Also called: CHARCOT-MARIE-TOOTH NEUROPATHY, TYPE 2U; CHARCOT-MARIE-TOOTH DISEASE, AXONAL, AUTOSOMAL DOMINANT, TYPE 2U. Identifiers: Orphanet 397735, MedGen C4084821, MONDO:0014566, OMIM 616280.

Submission:

Labcorp Genetics (formerly Invitae), Labcorp
Classification: Uncertain significance for Charcot-Marie-Tooth disease axonal type 2U; Severe early-onset pulmonary alveolar proteinosis due to MARS deficiency. Last evaluated: 2023-07-28. Review status: criteria provided, single submitter. Criteria: Invitae Variant Classification Sherloc (09022015). Collection method: clinical testing. Allele origin: germline.
Comment: This variant, c.2673_2674insTTC, results in the insertion of 1 amino acid(s) of the MARS protein (p.Pro891_Glu892insPhe), but otherwise preserves the integrity of the reading frame. This variant is not present in population databases (gnomAD no frequency). In summary, the available evidence is currently insufficient to determine the role of this variant in disease. Therefore, it has been classified as a Variant of Uncertain Significance. This variant has not been reported in the literature in individuals affected with MARS-related conditions.

NM_004990.4(MARS1):c.2673_2674insTTC (p.Pro891_Glu892insPhe)

Gene: MARS1 (methionyl-tRNA synthetase 1; plus strand). Cytogenetic location: 12q13.3.
Variant type: Insertion.
Coding change: c.2673_2674insTTC on transcript NM_004990.4 (MANE Select); coding-DNA positions 2673 to 2674, TTC inserted.
Protein change: p.Pro891_Glu892insPhe.
Molecular consequence: inframe insertion.
Genome position: GRCh38 VCF-style: chr12-57516551-T-TTTC. GRCh37 (hg19) VCF-style: chr12-57910334-T-TTTC.
Identifiers: ClinVar variation 2950392 (VCV002950392.3), dbSNP rs2540323866, ClinGen allele CA2619466858.